The following is an entry in ClinVar:

ClinVar aggregate classification (germline): Uncertain significance. Review status: criteria provided, multiple submitters, no conflicts (2 of 4 stars). 2 submissions from 2 submitters: Uncertain significance (2). Last evaluated 2025-05-19.

Allele frequency attached by ClinVar (database versions not stated): ExAC 0.00001; gnomAD 0.00001; TOPMed 0.00001; gnomAD exomes 0.00003.
gnomAD v4.1: 41 of 1,614,010 alleles (0.0025%); highest among the groups gnomAD compares: East Asian, 0.0045%; no homozygotes.

Submissions (2):

Ambry Genetics
Classification: Uncertain significance. Last evaluated: 2025-05-19. Review status: criteria provided, single submitter. Criteria: Ambry Variant Classification Scheme 2023. Collection method: clinical testing. Allele origin: germline.

Mayo Clinic Laboratories, Mayo Clinic
Classification: Uncertain significance. Last evaluated: 2023-01-17. Review status: criteria provided, single submitter. Criteria: ACMG Guidelines, 2015. Collection method: clinical testing. Allele origin: germline. Observed: 1 variant allele.
Comment: BP4

NM_015202.5(KATNIP):c.3898C>T (p.Arg1300Cys)

Gene: KATNIP (katanin interacting protein; plus strand). Cytogenetic location: 16p12.1.
Variant type: single nucleotide variant.
Coding change: c.3898C>T on transcript NM_015202.5 (MANE Select); coding-DNA position 3898, C replaced by T.
Protein change: p.Arg1300Cys; replaces arginine 1300 with cysteine.
Molecular consequence: missense variant.
Genome position (GRCh38, 1-based): chr16:27,766,397, C>T. VCF-style: chr16-27766397-C-T. GRCh37 (hg19) VCF-style: chr16-27777718-C-T.
Other names: p.Arg1300Cys; c.3898C>T (NM_015202.2); short protein forms R1300C.
Identifiers: ClinVar variation 2683791 (VCV002683791.2), dbSNP rs763806971, ClinGen allele CA7978419.